The following is an entry in ClinVar:

NM_021098.3(CACNA1H):c.6013C>A (p.Arg2005Ser)

Gene: CACNA1H (calcium voltage-gated channel subunit alpha1 H; plus strand). Cytogenetic location: 16p13.3.
Variant type: single nucleotide variant.
Coding change: c.6013C>A on transcript NM_021098.3 (MANE Select); coding-DNA position 6013, C replaced by A.
Protein change: p.Arg2005Ser; replaces arginine 2005 with serine.
Molecular consequence: missense variant.
Genome position (GRCh38, 1-based): chr16:1,219,095, C>A. VCF-style: chr16-1219095-C-A. GRCh37 (hg19) VCF-style: chr16-1269095-C-A.
Other names: c.5995C>A, p.Arg1999Ser (NM_001005407.2); short protein forms R1999S, R2005S.
Identifiers: ClinVar variation 1420772 (VCV001420772.8), dbSNP rs72552056, ClinGen allele CA276613023.

ClinVar aggregate classification (germline): Uncertain significance (1 of 4 stars; one submission).

Conditions:
Hyperaldosteronism, familial, type IV (HALD4). Also called: FH IV; ALDOSTERONISM, PRIMARY, AND HYPERTENSION. Identifiers: Orphanet 642671, MedGen C4310756, MONDO:0014875, OMIM 617027.
Idiopathic generalized epilepsy. Also called: EIG; Generalised epilepsy. Identifiers: MedGen C0270850, MONDO:0005579, OMIM 600669.

gnomAD v4.1: 4 of 1,547,094 alleles (0.00026%); highest among the groups gnomAD compares: African/African-American, 0.0041%; no homozygotes.

Submission:

Labcorp Genetics (formerly Invitae), Labcorp
Classification: Uncertain significance for Idiopathic generalized epilepsy; Hyperaldosteronism, familial, type IV. Last evaluated: 2021-04-26. Review status: criteria provided, single submitter. Criteria: Invitae Variant Classification Sherloc (09022015). Collection method: clinical testing. Allele origin: germline.
Comment: This variant has not been reported in the literature in individuals with CACNA1H-related conditions. Advanced modeling of protein sequence and biophysical properties (such as structural, functional, and spatial information, amino acid conservation, physicochemical variation, residue mobility, and thermodynamic stability) performed at Invitae indicates that this missense variant is not expected to disrupt CACNA1H protein function. In summary, the available evidence is currently insufficient to determine the role of this variant in disease. Therefore, it has been classified as a Variant of Uncertain Significance. The frequency data for this variant in the population databases is considered unreliable, as metrics indicate insufficient coverage at this position in the ExAC database. This sequence change replaces arginine with serine at codon 2005 of the CACNA1H protein (p.Arg2005Ser). The arginine residue is moderately conserved and there is a moderate physicochemical difference between arginine and serine.